The following is an entry in ClinVar:

ClinVar aggregate classification (germline): Pathogenic (1 of 4 stars; one submission).

Conditions:
LAMA2-related muscular dystrophy (LAMA2-RD). Also called: Laminin alpha 2-related dystrophy. Identifiers: MedGen C5679788, MONDO:0100228.

Submission:

Labcorp Genetics (formerly Invitae), Labcorp
Classification: Pathogenic for LAMA2-related muscular dystrophy. Last evaluated: 2022-07-06. Review status: criteria provided, single submitter. Criteria: Invitae Variant Classification Sherloc (09022015). Collection method: clinical testing. Allele origin: germline.
Comment: For these reasons, this variant has been classified as Pathogenic. This variant has not been reported in the literature in individuals affected with LAMA2-related conditions. This variant is a gross deletion of the genomic region encompassing exon(s) 2-10 of the LAMA2 gene. This deletion is out-of-frame, and is expected to create a premature termination codon and result in an absent or disrupted protein product. Loss-of-function variants in LAMA2 are known to be pathogenic (PMID: 18700894, 32904964).

Literature cited by the submitters: PubMed 18700894; PubMed 32904964.

NC_000006.11:g.(?_129371043)_(129499031_?)del

Gene: LAMA2 (laminin subunit alpha 2; plus strand). Cytogenetic location: 6q22.33.
Variant type: Deletion.
Identifiers: ClinVar variation 2423059 (VCV002423059.5).